The following is an entry in ClinVar:

ClinVar aggregate classification (germline): Uncertain significance (1 of 4 stars; one submission).

Allele frequency attached by ClinVar (database versions not stated): gnomAD exomes below 0.00001; ExAC 0.00001; gnomAD 0.00001.
gnomAD v4.1: 3 of 1,613,952 alleles (0.00019%); highest among the groups gnomAD compares: Non-Finnish European, 0.00017%; no homozygotes.

Submission:

Labcorp Genetics (formerly Invitae), Labcorp
Classification: Uncertain significance. Last evaluated: 2022-12-29. Review status: criteria provided, single submitter. Criteria: Invitae Variant Classification Sherloc (09022015). Collection method: clinical testing. Allele origin: germline.
Comment: In summary, the available evidence is currently insufficient to determine the role of this variant in disease. Therefore, it has been classified as a Variant of Uncertain Significance. Advanced modeling of protein sequence and biophysical properties (such as structural, functional, and spatial information, amino acid conservation, physicochemical variation, residue mobility, and thermodynamic stability) performed at Invitae indicates that this missense variant is expected to disrupt KMT2A protein function. This variant has not been reported in the literature in individuals affected with KMT2A-related conditions. This variant is present in population databases (rs781786089, gnomAD 0.0009%). This sequence change replaces arginine, which is basic and polar, with glutamine, which is neutral and polar, at codon 652 of the KMT2A protein (p.Arg652Gln).

NM_001197104.2(KMT2A):c.1955G>A (p.Arg652Gln)

Gene: KMT2A (lysine methyltransferase 2A; plus strand). Cytogenetic location: 11q23.3.
Variant type: single nucleotide variant.
Coding change: c.1955G>A on transcript NM_001197104.2 (MANE Select); coding-DNA position 1955, G replaced by A.
Protein change: p.Arg652Gln; replaces arginine 652 with glutamine.
Molecular consequence: missense variant.
Genome position (GRCh38, 1-based): chr11:118,473,114, G>A. VCF-style: chr11-118473114-G-A. GRCh37 (hg19) VCF-style: chr11-118343829-G-A.
Other names: c.2054G>A, p.Arg685Gln (NM_001412597.1); c.1955G>A, p.Arg652Gln (NM_005933.4); short protein forms R652Q, R685Q.
Identifiers: ClinVar variation 2824841 (VCV002824841.3), dbSNP rs781786089, ClinGen allele CA6303461.